The following is an entry in ClinVar:

NM_002730.4(PRKACA):c.46+10C>T

Gene: PRKACA (protein kinase cAMP-activated catalytic subunit alpha; minus strand). Cytogenetic location: 19p13.12.
Variant type: single nucleotide variant.
Coding change: c.46+10C>T on transcript NM_002730.4 (MANE Select); 10 bases into the intron after coding-DNA position 46, C replaced by T.
Molecular consequence: intron variant.
Genome position (GRCh38, 1-based): chr19:14,117,492, G>A on the plus strand (C>T on the coding strand, the complement: PRKACA is on the minus strand). VCF-style: chr19-14117492-G-A. GRCh37 (hg19) VCF-style: chr19-14228304-G-A.
Identifiers: ClinVar variation 3047474 (VCV003047474.2), dbSNP rs368124083, ClinGen allele CA9249532.

ClinVar aggregate classification (germline): Likely benign (0 of 4 stars; one submission).

Conditions:
PRKACA-related disorder. Also called: PRKACA-related condition.

Allele frequency attached by ClinVar (database versions not stated): gnomAD exomes 0.00002; gnomAD 0.00017; TOPMed 0.00018; ESP Exome Variant Server 0.00051; ExAC 0.00086.
gnomAD v4.1: 45 of 1,250,908 alleles (0.0036%); highest among the groups gnomAD compares: African/African-American, 0.061%; no homozygotes.

Submission:

PreventionGenetics, part of Exact Sciences
Classification: Likely benign for PRKACA-related condition. Last evaluated: 2019-02-19. Review status: no assertion criteria provided. Collection method: clinical testing. Allele origin: germline.
Comment: This variant is classified as likely benign based on ACMG/AMP sequence variant interpretation guidelines (Richards et al. 2015 PMID: 25741868, with internal and published modifications).